The following is an entry in ClinVar:

NM_020884.7(MYH7B):c.978G>A (p.Met326Ile)

Gene: MYH7B (myosin heavy chain 7B; plus strand). Cytogenetic location: 20q11.22.
Variant type: single nucleotide variant.
Coding change: c.978G>A on transcript NM_020884.7 (MANE Select); coding-DNA position 978, G replaced by A.
Protein change: p.Met326Ile; replaces methionine 326 with isoleucine.
Molecular consequence: missense variant.
Genome position (GRCh38, 1-based): chr20:34,986,959, G>A. VCF-style: chr20-34986959-G-A. GRCh37 (hg19) VCF-style: chr20-33574762-G-A.
Other names: short protein forms M326I.
Identifiers: ClinVar variation 3674729 (VCV003674729.2).

ClinVar aggregate classification (germline): Uncertain significance (1 of 4 stars; one submission).

gnomAD v4.1: 1 of 1,613,942 alleles (0.000062%); highest among the groups gnomAD compares: East Asian, 0.0022%; no homozygotes.

Submission:

Labcorp Genetics (formerly Invitae), Labcorp
Classification: Uncertain significance. Last evaluated: 2024-06-11. Review status: criteria provided, single submitter. Criteria: Invitae Variant Classification Sherloc (09022015). Collection method: clinical testing. Allele origin: germline.
Comment: This sequence change replaces methionine, which is neutral and non-polar, with isoleucine, which is neutral and non-polar, at codon 368 of the MYH7B protein (p.Met368Ile). This variant is present in population databases (no rsID available, gnomAD 0.06%). This variant has not been reported in the literature in individuals affected with MYH7B-related conditions. Algorithms developed to predict the effect of missense changes on protein structure and function output the following: SIFT: "Not Available"; PolyPhen-2: "Benign"; Align-GVGD: "Not Available". The isoleucine amino acid residue is found in multiple mammalian species, which suggests that this missense change does not adversely affect protein function. In summary, the available evidence is currently insufficient to determine the role of this variant in disease. Therefore, it has been classified as a Variant of Uncertain Significance.